The following is an entry in ClinVar:

NM_138413.4(HOGA1):c.973G>A (p.Gly325Ser)

Gene: HOGA1 (4-hydroxy-2-oxoglutarate aldolase 1; plus strand). Cytogenetic location: 10q24.2.
Variant type: single nucleotide variant.
Coding change: c.973G>A on transcript NM_138413.4 (MANE Select); coding-DNA position 973, G replaced by A.
Protein change: p.Gly325Ser; replaces glycine 325 with serine.
Molecular consequence: missense variant.
Genome position (GRCh38, 1-based): chr10:97,611,648, G>A. VCF-style: chr10-97611648-G-A. GRCh37 (hg19) VCF-style: chr10-99371405-G-A.
Other names: c.484G>A, p.Gly162Ser (NM_001134670.2); short protein forms G325S, G162S.
Identifiers: ClinVar variation 204284 (VCV000204284.7), dbSNP rs777046879, ClinGen allele CA203979.
Genomic context (GRCh38, chr10:97,611,648, plus strand): 5'-CCCTTGCAGGAGCTGAGCCCCGCTGAGGAGGAGGCACTGCGCATGGATTTCACCAGCAAC[G>A]GCTGGCTCTGAGGGCAGGCAGGGTCCATGGCTGGCCTGAGCCCATCTCAGCCTCCTGCCT-3'
Protein context (NP_612422.2, residues 315-327): EALRMDFTSN[Gly325Ser]WL

ClinVar aggregate classification (germline): Pathogenic/Likely pathogenic. Review status: criteria provided, multiple submitters, no conflicts (2 of 4 stars). 5 submissions from 5 submitters: Pathogenic (2); Likely pathogenic (2). 1 of the submissions does not count toward it. Last evaluated 2025-12-01.

Conditions:
Primary hyperoxaluria type 3. Also called: PH III. Identifiers: Orphanet 416, Orphanet 93600, MedGen C3150878, MONDO:0013327, OMIM 613616. Disease mechanism: loss of function.

Allele frequency attached by ClinVar (database versions not stated): TOPMed 0.00002; gnomAD 0.00001; gnomAD exomes 0.00002; ExAC 0.00004.
gnomAD v4.1: 37 of 1,613,178 alleles (0.0023%); highest among the groups gnomAD compares: Admixed American, 0.005%; no homozygotes.

Submissions (5):

Natera, Inc.
Classification: Likely pathogenic for Primary hyperoxaluria type III. Last evaluated: 2025-12-01. Review status: criteria provided, single submitter. Criteria: Natera Variant Classification Schema (03/2026). Collection method: clinical testing. Allele origin: germline.
Comment: The c.973G>A variant in HOGA1 is a missense variant predicted to cause substitution of glycine to serine at amino acid 325. This variant is rare in the general population with a frequency below the threshold expected for the associated phenotype(s). This variant has been observed in one or more individuals affected with the associated recessive disease, as either homozygous or compound heterozygous with a second variant (PMID: 34245816, 25644115). This variant has been identified in one or more affected individual with a phenotype highly consistent with the associated gene (PMID: 25644115). Computational prediction algorithms indicate this variant is likely to affect gene or protein function. Given the available evidence, this variant is classified as Likely Pathogenic.

Rare Kidney Stone Consortium and the Mayo Clinic Hyperoxaluria Center, Mayo Clinic
Classification: Pathogenic for Primary hyperoxaluria type 3. Last evaluated: 2025-10-03. Review status: criteria provided, single submitter. Criteria: ACMG Guidelines, 2015. Collection method: research. Allele origin: germline. Affected: yes. Observed: 2 variant alleles.
Comment: ACMG:PM1, PM2, PM5, PP2, PP3, PP5

Labcorp Genetics (formerly Invitae), Labcorp
Classification: Pathogenic. Last evaluated: 2024-12-07. Review status: criteria provided, single submitter. Criteria: Invitae Variant Classification Sherloc (09022015). Collection method: clinical testing. Allele origin: germline.
Comment: This sequence change replaces glycine, which is neutral and non-polar, with serine, which is neutral and polar, at codon 325 of the HOGA1 protein (p.Gly325Ser). This variant is present in population databases (rs777046879, gnomAD 0.009%). This missense change has been observed in individual(s) with primary hyperoxaluria (PMID: 25644115, 34245816). ClinVar contains an entry for this variant (Variation ID: 204284). Invitae Evidence Modeling of protein sequence and biophysical properties (such as structural, functional, and spatial information, amino acid conservation, physicochemical variation, residue mobility, and thermodynamic stability) indicates that this missense variant is expected to disrupt HOGA1 protein function with a positive predictive value of 95%. For these reasons, this variant has been classified as Pathogenic.

Fulgent Genetics
Classification: Likely pathogenic for Primary hyperoxaluria type 3. Last evaluated: 2024-02-23. Review status: criteria provided, single submitter. Criteria: ACMG Guidelines, 2015. Collection method: clinical testing. Allele origin: germline.

Clinical Biochemistry Laboratory, Health Services Laboratory
Classification: Pathogenic for Primary hyperoxaluria, type III. Last evaluated: 2014-11-27. Review status: no assertion criteria provided. Collection method: research. Allele origin: germline. Affected: yes. Not counted in ClinVar's aggregate classification.

Literature cited by the submitters: PubMed 34245816 (cited by 3 submitters); PubMed 25644115 (cited by 4 submitters); PubMed 34426522 (cited by Rare Kidney Stone Consortium and the Mayo Clinic Hyperoxaluria Center, Mayo Clinic); PubMed 40794449 (cited by Rare Kidney Stone Consortium and the Mayo Clinic Hyperoxaluria Center, Mayo Clinic).